The following is an entry in ClinVar:

NM_025081.3(NYNRIN):c.863G>T (p.Gly288Val)

Gene: NYNRIN (NYN domain and retroviral integrase containing; plus strand). Cytogenetic location: 14q12.
Variant type: single nucleotide variant.
Coding change: c.863G>T on transcript NM_025081.3 (MANE Select); coding-DNA position 863, G replaced by T.
Protein change: p.Gly288Val; replaces glycine 288 with valine.
Molecular consequence: missense variant.
Genome position (GRCh38, 1-based): chr14:24,408,657, G>T. VCF-style: chr14-24408657-G-T. GRCh37 (hg19) VCF-style: chr14-24877863-G-T.
Other names: c.863G>T (NM_025081.2); short protein forms G288V.
Identifiers: ClinVar variation 3654752 (VCV003654752.3).

ClinVar aggregate classification (germline): Uncertain significance. Review status: criteria provided, multiple submitters, no conflicts (2 of 4 stars). 2 submissions from 2 submitters: Uncertain significance (2). Last evaluated 2025-10-30.

Submissions (2):

Ambry Genetics
Classification: Uncertain significance. Last evaluated: 2025-10-30. Review status: criteria provided, single submitter. Criteria: Ambry Variant Classification Scheme 2023. Collection method: clinical testing. Allele origin: germline.

Labcorp Genetics (formerly Invitae), Labcorp
Classification: Uncertain significance. Last evaluated: 2024-06-12. Review status: criteria provided, single submitter. Criteria: Invitae Variant Classification Sherloc (09022015). Collection method: clinical testing. Allele origin: germline.
Comment: This sequence change replaces glycine, which is neutral and non-polar, with valine, which is neutral and non-polar, at codon 288 of the NYNRIN protein (p.Gly288Val). This variant is not present in population databases (gnomAD no frequency). This variant has not been reported in the literature in individuals affected with NYNRIN-related conditions. Experimental studies and prediction algorithms are not available or were not evaluated, and the functional significance of this variant is currently unknown. In summary, the available evidence is currently insufficient to determine the role of this variant in disease. Therefore, it has been classified as a Variant of Uncertain Significance.